The following is an entry in ClinVar:

NM_002500.5(NEUROD1):c.68C>G (p.Thr23Arg)

Gene: NEUROD1 (neuronal differentiation 1; minus strand). Cytogenetic location: 2q31.3.
Variant type: single nucleotide variant.
Coding change: c.68C>G on transcript NM_002500.5 (MANE Select); coding-DNA position 68, C replaced by G.
Protein change: p.Thr23Arg; replaces threonine 23 with arginine.
Molecular consequence: missense variant.
Genome position (GRCh38, 1-based): chr2:181,678,793, G>C on the plus strand (C>G on the coding strand, the complement: NEUROD1 is on the minus strand). VCF-style: chr2-181678793-G-C. GRCh37 (hg19) VCF-style: chr2-182543520-G-C.
Other names: c.68C>G (NM_002500.3); short protein forms T23R.
Identifiers: ClinVar variation 2787957 (VCV002787957.4), dbSNP rs2468611280, ClinGen allele CA349787737.

ClinVar aggregate classification (germline): Uncertain significance. Review status: criteria provided, multiple submitters, no conflicts (2 of 4 stars). 2 submissions from 2 submitters: Uncertain significance (2). Last evaluated 2025-09-01.

Conditions:
Inborn genetic diseases. Identifiers: MedGen C0950123, MeSH D030342.

Submissions (2):

Ambry Genetics
Classification: Uncertain significance for Inborn genetic diseases. Last evaluated: 2025-09-01. Review status: criteria provided, single submitter. Criteria: Ambry Variant Classification Scheme 2023. Collection method: clinical testing. Allele origin: germline.

Labcorp Genetics (formerly Invitae), Labcorp
Classification: Uncertain significance. Last evaluated: 2023-06-17. Review status: criteria provided, single submitter. Criteria: Invitae Variant Classification Sherloc (09022015). Collection method: clinical testing. Allele origin: germline.
Comment: This sequence change replaces threonine, which is neutral and polar, with arginine, which is basic and polar, at codon 23 of the NEUROD1 protein (p.Thr23Arg). This variant is not present in population databases (gnomAD no frequency). This variant has not been reported in the literature in individuals affected with NEUROD1-related conditions. Advanced modeling of protein sequence and biophysical properties (such as structural, functional, and spatial information, amino acid conservation, physicochemical variation, residue mobility, and thermodynamic stability) performed at Invitae indicates that this missense variant is not expected to disrupt NEUROD1 protein function. In summary, the available evidence is currently insufficient to determine the role of this variant in disease. Therefore, it has been classified as a Variant of Uncertain Significance.